The following is an entry in ClinVar:

ClinVar aggregate classification (germline): Pathogenic/Likely pathogenic. Review status: criteria provided, multiple submitters, no conflicts (2 of 4 stars). 3 submissions from 3 submitters: Pathogenic (2); Likely pathogenic (1). Last evaluated 2025-05-15.

Conditions:
Hereditary cancer-predisposing syndrome. Also called: Hereditary neoplastic syndrome; Tumor predisposition; Neoplastic Syndromes, Hereditary; Hereditary Cancer Syndrome. Identifiers: Orphanet 140162, MedGen C0027672, MeSH D009386, MONDO:0015356.
Cardiovascular phenotype. Identifiers: MedGen CN230736.
Neurofibromatosis, type 1 (NF1). Also called: Neurofibromatosis, type I; NEUROFIBROMATOSIS, TYPE I, SOMATIC; Peripheral type neurofibromatosis; VON RECKLINGHAUSEN DISEASE. Identifiers: Orphanet 636, MedGen C0027831, MONDO:0018975, OMIM 162200. Disease mechanism: loss of function.

Submissions (3):

Ambry Genetics
Classification: Pathogenic for Cardiovascular phenotype; Hereditary cancer-predisposing syndrome. Last evaluated: 2025-05-15. Review status: criteria provided, single submitter. Criteria: Ambry Variant Classification Scheme 2023. Collection method: clinical testing. Allele origin: germline.
Comment: The c.1721G>T pathogenic mutation (also known as p.S574I), located in coding exon 15 of the NF1 gene, results from a G to T substitution at nucleotide position 1721. The amino acid change results in serine to isoleucine at codon 574, an amino acid with dissimilar properties. However, this change occurs in the last base pair of coding exon 15, which makes it likely to have some effect on normal mRNA splicing. In silico splice site analysis predicts that this alteration will weaken the native splice donor site. RNA studies have demonstrated that this alteration results in abnormal splicing in the set of samples tested (Ambry internal data). Other variant(s) impacting the same donor site (c.1721+1G>T, c.1721G>A) have been identified in individual(s) with features consistent with neurofibromatosis type 1 (Fahsold R et al, Am. J. Hum. Genet. 2000 Mar; 66(3):790-818; Lee MJ et al, Hum. Mutat. 2006 Aug; 27(8):832; Palma Milla C et al. Ann. Hum. Genet. 2018 Nov;82(6):425-436; Stella A et al. Genes (Basel) 2018 Apr;9(4); Sabbagh A et al. Hum Mutat. 2013 Nov;34:1510-8; Ambry internal data). This variant is considered to be rare based on population cohorts in the Genome Aggregation Database (gnomAD). Based on the supporting evidence, this variant is interpreted as a disease-causing mutation.

Labcorp Genetics (formerly Invitae), Labcorp
Classification: Pathogenic for Neurofibromatosis, type 1. Last evaluated: 2023-09-05. Review status: criteria provided, single submitter. Criteria: Invitae Variant Classification Sherloc (09022015). Collection method: clinical testing. Allele origin: germline.
Comment: For these reasons, this variant has been classified as Pathogenic. This variant disrupts the c.1721G nucleotide in the NF1 gene. Other variant(s) that disrupt this nucleotide have been determined to be pathogenic (PMID: 10712197, 16835897, 24232412; Invitae). This suggests that this nucleotide is clinically significant, and that variants that disrupt this position are likely to be disease-causing. Variants that disrupt the consensus splice site are a relatively common cause of aberrant splicing (PMID: 17576681, 9536098). Algorithms developed to predict the effect of sequence changes on RNA splicing suggest that this variant may disrupt the consensus splice site. An algorithm developed to predict the effect of missense changes on protein structure and function (PolyPhen-2) suggests that this variant is likely to be disruptive. ClinVar contains an entry for this variant (Variation ID: 432805). This missense change has been observed in individual(s) with clinical features of NF1-related conditions (Invitae). In at least one individual the variant was observed to be de novo. This variant is not present in population databases (gnomAD no frequency). This sequence change replaces serine, which is neutral and polar, with isoleucine, which is neutral and non-polar, at codon 574 of the NF1 protein (p.Ser574Ile). This variant also falls at the last nucleotide of exon 15, which is part of the consensus splice site for this exon.

GeneDx
Classification: Likely pathogenic. Last evaluated: 2017-06-26. Review status: criteria provided, single submitter. Criteria: GeneDx Variant Classification (06012015). Collection method: clinical testing. Allele origin: germline. Affected: yes.
Comment: The S574I variant has not been published as a pathogenic variant, nor has it been reported as a benign variant to our knowledge. The variant is not observed in large population cohorts (Lek et al., 2016; 1000 Genomes Consortium et al., 2015; Exome Variant Server). S574I is a non-conservative amino acid substitution, which is likely to impact secondary protein structure as these residues differ in polarity, charge, size and/or other properties. This substitution occurs at a position within the GTPase activating domain that is conserved across species, and in silico analysis predicts this variant is probably damaging to the protein structure/function. Missense variants in the same residue (S574G/R/N/R) and in a nearby residue (L578R/P) have been reported in the Human Gene Mutation Database in association with neurofibromatosis type 1 (Stenson et al., 2014), supporting the functional importance of this region of the protein. In summary, this variant is likely pathogenic; however, the possibility that it is benign cannot be excluded.

Literature cited by the submitters: PubMed 10712197 (cited by Labcorp Genetics (formerly Invitae), Labcorp); PubMed 16835897 (cited by Labcorp Genetics (formerly Invitae), Labcorp); PubMed 24232412 (cited by Labcorp Genetics (formerly Invitae), Labcorp); PubMed 17576681 (cited by Labcorp Genetics (formerly Invitae), Labcorp); PubMed 9536098 (cited by Labcorp Genetics (formerly Invitae), Labcorp).

NM_001042492.3(NF1):c.1721G>T (p.Ser574Ile)

Gene: NF1 (neurofibromin 1; plus strand). Cytogenetic location: 17q11.2.
Variant type: single nucleotide variant.
Coding change: c.1721G>T on transcript NM_001042492.3 (MANE Select); coding-DNA position 1721, G replaced by T.
Protein change: p.Ser574Ile; replaces serine 574 with isoleucine.
Molecular consequence: missense variant.
Genome position (GRCh38, 1-based): chr17:31,221,929, G>T. VCF-style: chr17-31221929-G-T. GRCh37 (hg19) VCF-style: chr17-29548947-G-T.
Other names: c.1721G>T, p.Ser574Ile (NM_000267.4); c.1721G>T, p.Arg574Met (NM_001128147.3); short protein forms S574I, R574M.
Identifiers: ClinVar variation 432805 (VCV000432805.7), dbSNP rs1555613206, ClinGen allele CA399002390.